The following is an entry in ClinVar:

ClinVar aggregate classification (germline): Uncertain significance (1 of 4 stars; one submission).

Conditions:
Fanconi anemia (FA). Also called: Fanconi's anemia. Identifiers: Orphanet 84, MedGen C0015625, MeSH D005199, MONDO:0019391.

Allele frequency attached by ClinVar (database versions not stated): TOPMed below 0.00001.

Submission:

Labcorp Genetics (formerly Invitae), Labcorp
Classification: Uncertain significance for Fanconi anemia. Last evaluated: 2022-12-06. Review status: criteria provided, single submitter. Criteria: Invitae Variant Classification Sherloc (09022015). Collection method: clinical testing. Allele origin: germline.
Comment: This sequence change falls in intron 40 of the FANCA gene. It does not directly change the encoded amino acid sequence of the FANCA protein. It affects a nucleotide within the consensus splice site. In summary, the available evidence is currently insufficient to determine the role of this variant in disease. Therefore, it has been classified as a Variant of Uncertain Significance. Variants that disrupt the consensus splice site are a relatively common cause of aberrant splicing (PMID: 17576681, 9536098). Algorithms developed to predict the effect of sequence changes on RNA splicing suggest that this variant is not likely to affect RNA splicing. ClinVar contains an entry for this variant (Variation ID: 1481734). This variant has not been reported in the literature in individuals affected with FANCA-related conditions. This variant is not present in population databases (gnomAD no frequency).

Literature cited by the submitters: PubMed 17576681; PubMed 9536098.

NM_000135.4(FANCA):c.4010+5C>T

Genes: FANCA (FA complementation group A; minus strand), ZNF276 (zinc finger protein 276; plus strand). Cytogenetic location: 16q24.3.
Variant type: single nucleotide variant.
Coding change: c.4010+5C>T on transcript NM_000135.4 (MANE Select); 5 bases into the intron after coding-DNA position 4010, C replaced by T.
Molecular consequence: intron variant. On other transcripts: 3 prime UTR variant (2), non-coding transcript variant (4).
Genome position (GRCh38, 1-based): chr16:89,739,473, G>A on the plus strand (C>T on the coding strand, the complement: FANCA is on the minus strand). VCF-style: chr16-89739473-G-A. GRCh37 (hg19) VCF-style: chr16-89805881-G-A.
Other names: c.*1227G>A (NM_001113525.2, NM_152287.4); c.4010+5C>T (NM_001286167.3).
Identifiers: ClinVar variation 1481734 (VCV001481734.5), dbSNP rs1353285713, ClinGen allele CA624454453.
Genomic context (GRCh38, chr16:89,739,473, plus strand): 5'-GAGGTGCTGAGATGGGGGTCTGGGAAACACTGCCCAGCCCTGACCAGCCCTGTGGGTGGA[G>A]GTACCTGTAAAAAGCGAAAGGCAGCAGCCTGGTGTGCTGATCCGGGGCCACACGGAGGAG-3'